The following is an entry in ClinVar:

ClinVar aggregate classification (germline): Likely benign. Review status: criteria provided, multiple submitters, no conflicts (2 of 4 stars). 3 submissions from 3 submitters: Likely benign (3). Last evaluated 2024-06-01.

Allele frequency attached by ClinVar (database versions not stated): ExAC 0.00001; gnomAD 0.00002; TOPMed 0.00002; gnomAD exomes 0.00003; ESP Exome Variant Server 0.00008.
gnomAD v4.1: 45 of 1,613,926 alleles (0.0028%); highest among the groups gnomAD compares: Middle Eastern, 0.049%; no homozygotes.

Submissions (3):

CeGaT Center for Human Genetics Tuebingen
Classification: Likely benign. Last evaluated: 2024-06-01. Review status: criteria provided, single submitter. Criteria: CeGaT Center For Human Genetics Tuebingen Variant Classification Criteria Version 2. Collection method: clinical testing. Allele origin: germline. Affected: yes. Observed: 1 variant allele.
Comment: SRCAP: BP4, BP7

Blueprint Genetics
Classification: Likely benign. Last evaluated: 2024-03-06. Review status: criteria provided, single submitter. Criteria: ACMG Guidelines, 2015. Collection method: clinical testing. Allele origin: germline.

Labcorp Genetics (formerly Invitae), Labcorp
Classification: Likely benign. Last evaluated: 2023-03-24. Review status: criteria provided, single submitter. Criteria: Invitae Variant Classification Sherloc (09022015). Collection method: clinical testing. Allele origin: germline.

NM_006662.3(SRCAP):c.1065A>G (p.Ser355=)

Gene: SRCAP (Snf2 related CREBBP activator protein; plus strand). Cytogenetic location: 16p11.2.
Variant type: single nucleotide variant.
Coding change: c.1065A>G on transcript NM_006662.3 (MANE Select); coding-DNA position 1065, A replaced by G.
Protein change: p.Ser355=; no amino-acid change (serine 355 retained).
Molecular consequence: synonymous variant.
Genome position (GRCh38, 1-based): chr16:30,710,059, A>G. VCF-style: chr16-30710059-A-G. GRCh37 (hg19) VCF-style: chr16-30721380-A-G.
Identifiers: ClinVar variation 1984055 (VCV001984055.23), dbSNP rs376622014, ClinGen allele CA8010813.